The following is an entry in ClinVar:

ClinVar aggregate classification (germline): Likely benign. Review status: criteria provided, multiple submitters, no conflicts (2 of 4 stars). 2 submissions from 2 submitters: Likely benign (2). Last evaluated 2026-09-01.

Allele frequency attached by ClinVar (database versions not stated): gnomAD exomes 0.00002 and 0.00004; gnomAD 0.00003 and 0.00004; TOPMed 0.00005.

Submissions (2):

CeGaT Center for Human Genetics Tuebingen
Classification: Likely benign. Last evaluated: 2026-09-01. Review status: criteria provided, single submitter. Criteria: CeGaT Center For Human Genetics Tuebingen Variant Classification Criteria Version 2. Collection method: clinical testing. Allele origin: germline. Affected: yes. Observed: 1 variant allele.
Comment: SLC30A10: BP4, BP7

Labcorp Genetics (formerly Invitae), Labcorp
Classification: Likely benign. Last evaluated: 2024-10-17. Review status: criteria provided, single submitter. Criteria: Invitae Variant Classification Sherloc (09022015). Collection method: clinical testing. Allele origin: germline.

NM_018713.3(SLC30A10):c.423C>T (p.Phe141=)

Gene: SLC30A10 (solute carrier family 30 member 10; minus strand). Cytogenetic location: 1q41.
Variant type: single nucleotide variant.
Coding change: c.423C>T on transcript NM_018713.3 (MANE Select); coding-DNA position 423, C replaced by T.
Protein change: p.Phe141=; no amino-acid change (phenylalanine 141 retained).
Molecular consequence: synonymous variant. On other transcripts: non-coding transcript variant (1), intron variant (1).
Genome position (GRCh38, 1-based): chr1:219,928,018, G>A on the plus strand (C>T on the coding strand, the complement: SLC30A10 is on the minus strand). VCF-style: chr1-219928018-G-A. GRCh37 (hg19) VCF-style: chr1-220101360-G-A.
Other names: c.452-913C>T (NM_001376929.1).
Identifiers: ClinVar variation 1587250 (VCV001587250.9), dbSNP rs969385293, ClinGen allele CA37949469.